The following is an entry in ClinVar:

ClinVar aggregate classification (germline): Uncertain significance (1 of 4 stars; one submission).

gnomAD v4.1: 28 of 1,612,846 alleles (0.0017%); highest among the groups gnomAD compares: African/African-American, 0.0027%; no homozygotes.

Submission:

Labcorp Genetics (formerly Invitae), Labcorp
Classification: Uncertain significance. Last evaluated: 2024-02-17. Review status: criteria provided, single submitter. Criteria: Invitae Variant Classification Sherloc (09022015). Collection method: clinical testing. Allele origin: germline.
Comment: This sequence change replaces threonine, which is neutral and polar, with alanine, which is neutral and non-polar, at codon 544 of the CFH protein (p.Thr544Ala). This variant is present in population databases (rs776628605, gnomAD 0.007%). This variant has not been reported in the literature in individuals affected with CFH-related conditions. An algorithm developed to predict the effect of missense changes on protein structure and function (PolyPhen-2) suggests that this variant is likely to be tolerated. In summary, the available evidence is currently insufficient to determine the role of this variant in disease. Therefore, it has been classified as a Variant of Uncertain Significance.

NM_000186.4(CFH):c.1630A>G (p.Thr544Ala)

Gene: CFH (complement factor H; plus strand). Cytogenetic location: 1q31.3.
Variant type: single nucleotide variant.
Coding change: c.1630A>G on transcript NM_000186.4 (MANE Select); coding-DNA position 1630, A replaced by G.
Protein change: p.Thr544Ala; replaces threonine 544 with alanine.
Molecular consequence: missense variant.
Genome position (GRCh38, 1-based): chr1:196,715,703, A>G. VCF-style: chr1-196715703-A-G. GRCh37 (hg19) VCF-style: chr1-196684833-A-G.
Other names: short protein forms T544A.
Identifiers: ClinVar variation 3688834 (VCV003688834.2).
Genomic context (GRCh38, chr1:196,715,703, plus strand): 5'-ACATGGTTTAAGCTGAATGACACATTGGACTATGAATGCCATGATGGTTATGAAAGCAAT[A>G]CTGGAAGCACCACTGGTTCCATAGTGTGTGGTTACAATGGTTGGTCTGATTTACCCATAT-3'
Protein context (NP_000177.2, residues 534-554): YECHDGYESN[Thr544Ala]GSTTGSIVCG